The following is an entry in ClinVar:

ClinVar aggregate classification (germline): Uncertain significance. Review status: criteria provided, multiple submitters, no conflicts (2 of 4 stars). 2 submissions from 2 submitters: Uncertain significance (2). Last evaluated 2025-03-21.

Conditions:
Inborn genetic diseases. Identifiers: MedGen C0950123, MeSH D030342.

gnomAD v4.1: 2 of 1,614,204 alleles (0.00012%); highest among the groups gnomAD compares: Non-Finnish European, 0.00017%; no homozygotes.

Submissions (2):

Ambry Genetics
Classification: Uncertain significance for Inborn genetic diseases. Last evaluated: 2025-03-21. Review status: criteria provided, single submitter. Criteria: Ambry Variant Classification Scheme 2023. Collection method: clinical testing. Allele origin: germline.
Comment: The p.V1108M variant (also known as c.3322G>A), located in coding exon 13 of the ASXL1 gene, results from a G to A substitution at nucleotide position 3322. The valine at codon 1108 is replaced by methionine, an amino acid with highly similar properties. This amino acid position is conserved. In addition, the in silico prediction for this alteration is inconclusive. Based on the available evidence, the clinical significance of this variant remains unclear.

Labcorp Genetics (formerly Invitae), Labcorp
Classification: Uncertain significance. Last evaluated: 2023-07-12. Review status: criteria provided, single submitter. Criteria: Invitae Variant Classification Sherloc (09022015). Collection method: clinical testing. Allele origin: germline.
Comment: In summary, the available evidence is currently insufficient to determine the role of this variant in disease. Therefore, it has been classified as a Variant of Uncertain Significance. An algorithm developed to predict the effect of missense changes on protein structure and function (PolyPhen-2) suggests that this variant is likely to be disruptive. This variant has not been reported in the literature in individuals affected with ASXL1-related conditions. This variant is present in population databases (no rsID available, gnomAD 0.0009%). This sequence change replaces valine, which is neutral and non-polar, with methionine, which is neutral and non-polar, at codon 1108 of the ASXL1 protein (p.Val1108Met).

NM_015338.6(ASXL1):c.3322G>A (p.Val1108Met)

Gene: ASXL1 (ASXL transcriptional regulator 1; plus strand). Cytogenetic location: 20q11.21.
Variant type: single nucleotide variant.
Coding change: c.3322G>A on transcript NM_015338.6 (MANE Select); coding-DNA position 3322, G replaced by A.
Protein change: p.Val1108Met; replaces valine 1108 with methionine.
Molecular consequence: missense variant.
Genome position (GRCh38, 1-based): chr20:32,436,034, G>A. VCF-style: chr20-32436034-G-A. GRCh37 (hg19) VCF-style: chr20-31023837-G-A.
Other names: c.3139G>A, p.Val1047Met (NM_001363734.1); short protein forms V1108M, V1047M.
Identifiers: ClinVar variation 2818309 (VCV002818309.4), dbSNP rs1182034797, ClinGen allele CA408562816.